The following is an entry in ClinVar:

ClinVar aggregate classification (germline): Benign. Review status: criteria provided, multiple submitters, no conflicts (2 of 4 stars). 2 submissions from 2 submitters: Benign (2). Last evaluated 2018-06-14.

Allele frequency attached by ClinVar (database versions not stated): gnomAD exomes 0.00359; gnomAD 0.03815 and 0.04104; 1000 Genomes Project 0.04313; TOPMed 0.04351; 1000 Genomes Project 30x 0.04778.
gnomAD v4.1: 9,906 of 1,236,424 alleles (0.8%); highest among the groups gnomAD compares: African/African-American, 14%; 636 homozygotes.

Submissions (2):

GeneDx
Classification: Benign. Last evaluated: 2018-06-14. Review status: criteria provided, single submitter. Criteria: GeneDx Variant Classification (06012015). Collection method: clinical testing. Allele origin: germline. Affected: yes.
Comment: This variant is considered likely benign or benign based on one or more of the following criteria: it is a conservative change, it occurs at a poorly conserved position in the protein, it is predicted to be benign by multiple in silico algorithms, and/or has population frequency not consistent with disease.

Breakthrough Genomics
Classification: Benign. Review status: criteria provided, single submitter. Criteria: ACMG Guidelines, 2015. Collection method: not provided. Allele origin: germline. Inheritance: Autosomal recessive inheritance. Affected: yes.

NM_001377.3(DYNC2H1):c.6894-135T>C

Gene: DYNC2H1 (dynein cytoplasmic 2 heavy chain 1; plus strand). Cytogenetic location: 11q22.3.
Variant type: single nucleotide variant.
Coding change: c.6894-135T>C on transcript NM_001377.3 (MANE Select); 135 bases into the intron before coding-DNA position 6894, T replaced by C.
Molecular consequence: intron variant.
Genome position (GRCh38, 1-based): chr11:103,187,205, T>C. VCF-style: chr11-103187205-T-C. GRCh37 (hg19) VCF-style: chr11-103057934-T-C.
Other names: c.6894-135T>C (NM_001080463.2).
Identifiers: ClinVar variation 672994 (VCV000672994.2), dbSNP rs17100041, ClinGen allele CA227405083.